The following is an entry in ClinVar:

NM_000179.3(MSH6):c.48G>A (p.Ala16=)

Gene: MSH6 (mutS homolog 6; plus strand). Cytogenetic location: 2p16.3.
Variant type: single nucleotide variant.
Coding change: c.48G>A on transcript NM_000179.3 (MANE Select); coding-DNA position 48, G replaced by A.
Protein change: p.Ala16=; no amino-acid change (alanine 16 retained).
Molecular consequence: synonymous variant. On other transcripts: 5 prime UTR variant (1).
Genome position (GRCh38, 1-based): chr2:47,783,281, G>A. VCF-style: chr2-47783281-G-A. GRCh37 (hg19) VCF-style: chr2-48010420-G-A.
Other names: c.48G>A, p.Ala16= (NM_001281492.2); c.-689G>A (NM_001281493.2).
Identifiers: ClinVar variation 1147441 (VCV001147441.12), dbSNP rs1250671114, ClinGen allele CA425986972.

ClinVar aggregate classification (germline): Benign/Likely benign. Review status: criteria provided, multiple submitters, no conflicts (2 of 4 stars). 3 submissions from 3 submitters: Benign (1); Likely benign (2). Last evaluated 2024-12-16.

Conditions:
Hereditary cancer-predisposing syndrome. Also called: Hereditary neoplastic syndrome; Neoplastic Syndromes, Hereditary; Tumor predisposition; Hereditary Cancer Syndrome. Identifiers: Orphanet 140162, MedGen C0027672, MeSH D009386, MONDO:0015356.
Hereditary nonpolyposis colorectal neoplasms. Identifiers: MedGen C0009405, MeSH D003123.
Lynch syndrome 5 (LYNCH5). Also called: Hereditary non-polyposis colorectal cancer, type 5; Colorectal cancer, hereditary nonpolyposis, type 5. Identifiers: Orphanet 144, MedGen C1833477, MONDO:0013710, OMIM 614350. Disease mechanism: loss of function.

Allele frequency attached by ClinVar (database versions not stated): gnomAD 0.00001; TOPMed 0.00001.
gnomAD v4.1: 7 of 1,612,016 alleles (0.00043%); highest among the groups gnomAD compares: Non-Finnish European, 0.00059%; no homozygotes.

Submissions (3):

Myriad Genetics, Inc.
Classification: Benign for Lynch syndrome 5. Last evaluated: 2024-12-16. Review status: criteria provided, single submitter. Criteria: Myriad Autosomal Dominant, Autosomal Recessive and X-Linked Classification Criteria (2023). Collection method: clinical testing. Allele origin: unknown.
Comment: This variant is considered benign. This variant is a silent/synonymous amino acid change and it is not expected to impact splicing.

Labcorp Genetics (formerly Invitae), Labcorp
Classification: Likely benign for Hereditary nonpolyposis colorectal neoplasms. Last evaluated: 2022-04-07. Review status: criteria provided, single submitter. Criteria: Invitae Variant Classification Sherloc (09022015). Collection method: clinical testing. Allele origin: germline.

Ambry Genetics
Classification: Likely benign for Hereditary cancer-predisposing syndrome. Last evaluated: 2021-11-02. Review status: criteria provided, single submitter. Criteria: Ambry Variant Classification Scheme 2023. Collection method: clinical testing. Allele origin: germline.